The following is an entry in ClinVar:

ClinVar aggregate classification (germline): Benign. Review status: reviewed by expert panel (3 of 4 stars). 7 submissions from 7 submitters: Benign (1). 6 of the submissions do not count toward it. Last evaluated 2026-08-26.

Conditions:
Anauxetic dysplasia. Identifiers: Orphanet 93347, MedGen C1846796, MONDO:0011773.
RMRP-related disorder. Also called: RMRP-related condition.
Metaphyseal chondrodysplasia, McKusick type (CHH). Also called: Cartilage-hair hypoplasia; Cartilage-Hair Hypoplasia (CHH). Identifiers: Orphanet 175, MedGen C0220748, MONDO:0009595, OMIM 250250.

Allele frequency attached by ClinVar (database versions not stated): ExAC 0.00131; 1000 Genomes Project 0.00140; 1000 Genomes Project 30x 0.00172; gnomAD exomes 0.00290; gnomAD 0.00301 and 0.00303; TOPMed 0.00328.
gnomAD v4.1: 2,468 of 700,470 alleles (0.35%); highest among the groups gnomAD compares: Non-Finnish European, 0.53%; 10 homozygotes.

Submissions (7):

ClinGen Severe Combined Immunodeficiency Variant Curation Expert Panel, ClinGen
Classification: Benign for Metaphyseal chondrodysplasia, McKusick type. Last evaluated: 2026-08-26. Review status: reviewed by expert panel. Criteria: ClinGen SCID ACMG Specifications RMRP V1.3. Collection method: curation. Allele origin: germline. Inheritance: Autosomal recessive inheritance.
Comment: The NC_000009.12:g.35657965G>A variant in RMRP, also known as NR_003051.4:n.55C>T, is present in gnomAD v4.1.1 (genomes only) at a GrpMax allele frequency of 0.005233 in the European genetic ancestry group, which is higher than the ClinGen SCID VCEP specified BA1 threshold of 0.004, and therefore meets this criterion (BA1). Observed in gnomAD v4.1.1 (genomes only) in 3 homozygous healthy adult individuals for a recessive disorder with full penetrance at an early age (BS2). In summary, this variant meets the criteria to be classified as Benign for autosomal recessive cartilage-hair hypoplasia based on the ACMG/AMP criteria applied, as specified by the ClinGen SCID VCEP: BA1, BS2 (VCEP specifications version 1.3.0).

CeGaT Center for Human Genetics Tuebingen
Classification: Likely benign. Last evaluated: 2026-08-01. Review status: criteria provided, single submitter. Criteria: CeGaT Center For Human Genetics Tuebingen Variant Classification Criteria Version 2. Collection method: clinical testing. Allele origin: germline. Affected: yes. Observed: 19 variant alleles. Not counted in ClinVar's aggregate classification.
Comment: RMRP: BS2

Labcorp Genetics (formerly Invitae), Labcorp
Classification: Likely benign for Anauxetic dysplasia. Last evaluated: 2026-02-02. Review status: criteria provided, single submitter. Criteria: Invitae Variant Classification Sherloc (09022015). Collection method: clinical testing. Allele origin: germline. Not counted in ClinVar's aggregate classification.

Blueprint Genetics
Classification: Likely benign. Last evaluated: 2024-11-22. Review status: criteria provided, single submitter. Criteria: ACMG Guidelines, 2015. Collection method: clinical testing. Allele origin: germline. Not counted in ClinVar's aggregate classification.

PreventionGenetics, part of Exact Sciences
Classification: Likely benign for RMRP-related condition. Last evaluated: 2019-12-17. Review status: no assertion criteria provided. Collection method: clinical testing. Allele origin: germline. Not counted in ClinVar's aggregate classification.
Comment: This variant is classified as likely benign based on ACMG/AMP sequence variant interpretation guidelines (Richards et al. 2015 PMID: 25741868, with internal and published modifications).

Clinical Genetics DNA and cytogenetics Diagnostics Lab, Erasmus MC, Erasmus Medical Center
Classification: Likely benign. Review status: no assertion criteria provided. Collection method: clinical testing. Allele origin: germline. Affected: yes. Study: VKGL Data-share Consensus. Not counted in ClinVar's aggregate classification.

Genome Diagnostics Laboratory, University Medical Center Utrecht
Classification: Likely benign. Review status: no assertion criteria provided. Collection method: clinical testing. Allele origin: germline. Affected: yes. Study: VKGL Data-share Consensus. Not counted in ClinVar's aggregate classification.

NR_003051.4(RMRP):n.55C>T

Gene: RMRP (RNA component of mitochondrial RNA processing endoribonuclease; minus strand). Cytogenetic location: 9p13.3.
Variant type: single nucleotide variant.
Genome position: GRCh38 VCF-style: chr9-35657965-G-A. GRCh37 (hg19) VCF-style: chr9-35657962-G-A.
Identifiers: ClinVar variation 465206 (VCV000465206.50), dbSNP rs193117694, ClinGen allele CA5045856.